The following is an entry in ClinVar:

ClinVar aggregate classification (germline): Pathogenic (1 of 4 stars; one submission).

Submission:

Labcorp Genetics (formerly Invitae), Labcorp
Classification: Pathogenic. Last evaluated: 2025-11-07. Review status: criteria provided, single submitter. Criteria: Invitae Variant Classification Sherloc (09022015). Collection method: clinical testing. Allele origin: germline.
Comment: This sequence change affects an acceptor splice site in intron 16 of the SLC4A11 gene. It is expected to disrupt RNA splicing. Variants that disrupt the donor or acceptor splice site typically lead to a loss of protein function (PMID: 16199547), and loss-of-function variants in SLC4A11 are known to be pathogenic (PMID: 17220209, 17679935). This variant is not present in population databases (gnomAD no frequency). Disruption of this splice site has been observed in individuals with congenital hereditary endothelial dystrophy (PMID: 34637099; internal data). ClinVar contains an entry for this variant (Variation ID: 2705739). Algorithms developed to predict the effect of sequence changes on RNA splicing suggest that this variant may disrupt the consensus splice site. For these reasons, this variant has been classified as Pathogenic.

Literature cited by the submitters: PubMed 16199547; PubMed 17220209; PubMed 17679935; PubMed 34637099.

NM_001174089.2(SLC4A11):c.2193-2A>T

Gene: SLC4A11 (solute carrier family 4 member 11; minus strand). Cytogenetic location: 20p13.
Variant type: single nucleotide variant.
Coding change: c.2193-2A>T on transcript NM_001174089.2 (MANE Select); the canonical splice acceptor site of the intron before coding-DNA position 2193, A replaced by T.
Molecular consequence: splice acceptor variant.
Genome position (GRCh38, 1-based): chr20:3,228,709, T>A on the plus strand (A>T on the coding strand, the complement: SLC4A11 is on the minus strand). VCF-style: chr20-3228709-T-A. GRCh37 (hg19) VCF-style: chr20-3209355-T-A.
Other names: c.2136-2A>T (NM_001400277.1, NM_001400278.1, NM_001400279.1); c.2079-2A>T (NM_001363745.2); c.2208-2A>T (NM_001400280.1); c.2322-2A>T (NM_001174090.2); c.2241-2A>T (NM_032034.4).
Identifiers: ClinVar variation 2705739 (VCV002705739.3), dbSNP rs2514519644, ClinGen allele CA408086574.